The following is an entry in ClinVar:

NM_001110556.2(FLNA):c.7201del (p.Tyr2400_Leu2401insTer)

Gene: FLNA (filamin A; minus strand). Cytogenetic location: Xq28.
Variant type: Deletion.
Coding change: c.7201del on transcript NM_001110556.2 (MANE Select); coding-DNA position 7201, one base deleted (C; older notation c.7201delC).
Protein change: p.Tyr2400_Leu2401insTer.
Molecular consequence: nonsense.
Genome position (GRCh38, 1-based): chrX:154,350,163, G deleted on the plus strand (C on the coding strand, the reverse complement: FLNA is on the minus strand); the first of 2 consecutive G bases (chrX:154,350,163-154,350,164); deleting either gives the same sequence. VCF-style (leftmost placement, unchanged base first): chrX-154350162-AG-A. GRCh37 (hg19) VCF-style: chrX-153578530-AG-A.
Other names: c.7177del, p.Tyr2392_Leu2393insTer (NM_001456.4).
Identifiers: ClinVar variation 5038188 (VCV005038188.1).

ClinVar aggregate classification (germline): Pathogenic (1 of 4 stars; one submission).

Conditions:
Heterotopia, periventricular, X-linked dominant (PVNH1). Also called: PERIVENTRICULAR NODULAR HETEROTOPIA 4; HETEROTOPIA, PERIVENTRICULAR, 1; PERIVENTRICULAR NODULAR HETEROTOPIA 1; X-linked periventricular heterotopia. Identifiers: Orphanet 2149, Orphanet 82004, MedGen C1848213, MONDO:0010233, OMIM 300049.

Submission:

MVZ Medizinische Genetik Mainz
Classification: Pathogenic for Heterotopia, periventricular, X-linked dominant. Last evaluated: 2025-12-02. Review status: criteria provided, single submitter. Criteria: UK Practice Guidelines For Variant Classification V4 01 2020. Collection method: clinical testing. Allele origin: germline. Inheritance: Autosomal dominant inheritance. Affected: yes. Observed: 1 variant allele.
Comment: ACMG Criteria: PVS1,PM2_SUP